The following is an entry in ClinVar:

NM_004706.4(ARHGEF1):c.2142G>T (p.Met714Ile)

Gene: ARHGEF1 (Rho guanine nucleotide exchange factor 1; plus strand). Cytogenetic location: 19q13.2.
Variant type: single nucleotide variant.
Coding change: c.2142G>T on transcript NM_004706.4 (MANE Select); coding-DNA position 2142, G replaced by T.
Protein change: p.Met714Ile; replaces methionine 714 with isoleucine.
Molecular consequence: missense variant. On other transcripts: non-coding transcript variant (2).
Genome position (GRCh38, 1-based): chr19:41,904,364, G>T. VCF-style: chr19-41904364-G-T. GRCh37 (hg19) VCF-style: chr19-42408516-G-T.
Other names: c.2310G>T, p.Met770Ile (NM_001396000.1); c.2043G>T, p.Met681Ile (NM_001396002.1, NM_001396004.1, NM_198977.2); c.2142G>T, p.Met714Ile (NM_001396003.1, NM_001396006.1); c.2187G>T, p.Met729Ile (NM_199002.2); short protein forms M729I, M770I, M681I, M714I.
Identifiers: ClinVar variation 2816870 (VCV002816870.3), dbSNP rs1555849696, ClinGen allele CA406064795.

ClinVar aggregate classification (germline): Uncertain significance (1 of 4 stars; one submission).

Allele frequency attached by ClinVar (database versions not stated): gnomAD exomes below 0.00001.
gnomAD v4.1: 1 of 1,583,174 alleles (0.000063%); highest among the groups gnomAD compares: Non-Finnish European, 0.000086%; no homozygotes.

Submission:

Labcorp Genetics (formerly Invitae), Labcorp
Classification: Uncertain significance. Last evaluated: 2022-11-26. Review status: criteria provided, single submitter. Criteria: Invitae Variant Classification Sherloc (09022015). Collection method: clinical testing. Allele origin: germline.
Comment: This variant is present in population databases (no rsID available, gnomAD 0.001%). This sequence change replaces methionine, which is neutral and non-polar, with isoleucine, which is neutral and non-polar, at codon 729 of the ARHGEF1 protein (p.Met729Ile). In summary, the available evidence is currently insufficient to determine the role of this variant in disease. Therefore, it has been classified as a Variant of Uncertain Significance. Algorithms developed to predict the effect of missense changes on protein structure and function output the following: SIFT: "Tolerated"; PolyPhen-2: "Benign"; Align-GVGD: "Class C0". The isoleucine amino acid residue is found in multiple mammalian species, which suggests that this missense change does not adversely affect protein function. This variant has not been reported in the literature in individuals affected with ARHGEF1-related conditions.